The following is an entry in ClinVar:

ClinVar aggregate classification (germline): Uncertain significance. Review status: criteria provided, multiple submitters, no conflicts (2 of 4 stars). 3 submissions from 3 submitters: Uncertain significance (2). 1 of the submissions does not count toward it. Last evaluated 2025-11-26.

Conditions:
Leber congenital amaurosis (LCA). Also called: Leber's amaurosis. Identifiers: Orphanet 65, MedGen C0339527, MeSH D057130, MONDO:0018998.
LCA5-related disorder. Also called: LCA5-related condition.

Allele frequency attached by ClinVar (database versions not stated): TOPMed 0.00004.
gnomAD v4.1: 74 of 1,608,150 alleles (0.0046%); highest among the groups gnomAD compares: Non-Finnish European, 0.0062%; no homozygotes.

Submissions (3):

PreventionGenetics, part of Exact Sciences
Classification: Uncertain significance for LCA5-related condition. Last evaluated: 2025-11-26. Review status: criteria provided, single submitter. Criteria: ACMG Guidelines, 2015. Collection method: clinical testing. Allele origin: germline.
Comment: The LCA5 c.1267G>C variant is predicted to result in the amino acid substitution p.Glu423Gln. This variant was reported in an individual with retinitis pigmentosa; however, that individual had a likely causative variant in another gene (McGowan et al. 2020. PubMed ID: 32579692). This variant is reported in 0.0080% of alleles in individuals of European (Non-Finnish) descent in gnomAD. At this time, the clinical significance of this variant is uncertain due to the absence of conclusive functional and genetic evidence.

Labcorp Genetics (formerly Invitae), Labcorp
Classification: Uncertain significance. Last evaluated: 2025-09-02. Review status: criteria provided, single submitter. Criteria: Invitae Variant Classification Sherloc (09022015). Collection method: clinical testing. Allele origin: germline.
Comment: This sequence change replaces glutamic acid, which is acidic and polar, with glutamine, which is neutral and polar, at codon 423 of the LCA5 protein (p.Glu423Gln). This variant is present in population databases (rs777920075, gnomAD 0.009%). This variant has not been reported in the literature in individuals affected with LCA5-related conditions. ClinVar contains an entry for this variant (Variation ID: 851068). Invitae Evidence Modeling of protein sequence and biophysical properties (such as structural, functional, and spatial information, amino acid conservation, physicochemical variation, residue mobility, and thermodynamic stability) indicates that this missense variant is not expected to disrupt LCA5 protein function with a negative predictive value of 80%. In summary, the available evidence is currently insufficient to determine the role of this variant in disease. Therefore, it has been classified as a Variant of Uncertain Significance.

Natera, Inc.
Classification: Uncertain significance for Leber congenital amaurosis. Last evaluated: 2020-03-10. Review status: no assertion criteria provided. Collection method: clinical testing. Allele origin: germline. Not counted in ClinVar's aggregate classification.

NM_001122769.3(LCA5):c.1267G>C (p.Glu423Gln)

Gene: LCA5 (lebercilin LCA5; minus strand). Cytogenetic location: 6q14.1.
Variant type: single nucleotide variant.
Coding change: c.1267G>C on transcript NM_001122769.3 (MANE Select); coding-DNA position 1267, G replaced by C.
Protein change: p.Glu423Gln; replaces glutamic acid 423 with glutamine.
Molecular consequence: missense variant.
Genome position (GRCh38, 1-based): chr6:79,487,831, C>G on the plus strand (G>C on the coding strand, the complement: LCA5 is on the minus strand). VCF-style: chr6-79487831-C-G. GRCh37 (hg19) VCF-style: chr6-80197548-C-G.
Other names: c.1267G>C, p.Glu423Gln (NM_181714.4); short protein forms E423Q.
Identifiers: ClinVar variation 851068 (VCV000851068.7), dbSNP rs777920075, ClinGen allele CA3900856.